The following is an entry in ClinVar:

ClinVar aggregate classification (germline): Uncertain significance (1 of 4 stars; one submission).

Conditions:
Werner syndrome (WRN). Identifiers: Orphanet 902, MedGen C0043119, MONDO:0010196, OMIM 277700.

Allele frequency attached by ClinVar (database versions not stated): gnomAD exomes below 0.00001.
gnomAD v4.1: 3 of 1,613,078 alleles (0.00019%); highest among the groups gnomAD compares: Non-Finnish European, 0.00025%; no homozygotes.

Submission:

Labcorp Genetics (formerly Invitae), Labcorp
Classification: Uncertain significance for Werner syndrome. Last evaluated: 2021-02-25. Review status: criteria provided, single submitter. Criteria: Invitae Variant Classification Sherloc (09022015). Collection method: clinical testing. Allele origin: germline.
Comment: This sequence change replaces cysteine with tyrosine at codon 936 of the WRN protein (p.Cys936Tyr). The cysteine residue is highly conserved and there is a large physicochemical difference between cysteine and tyrosine. This variant is not present in population databases (ExAC no frequency). This variant has not been reported in the literature in individuals with WRN-related conditions. Algorithms developed to predict the effect of missense changes on protein structure and function (SIFT, PolyPhen-2, Align-GVGD) all suggest that this variant is likely to be disruptive, but these predictions have not been confirmed by published functional studies and their clinical significance is uncertain. In summary, the available evidence is currently insufficient to determine the role of this variant in disease. Therefore, it has been classified as a Variant of Uncertain Significance.

NM_000553.6(WRN):c.2807G>A (p.Cys936Tyr)

Gene: WRN (WRN RecQ like helicase; plus strand). Cytogenetic location: 8p12.
Variant type: single nucleotide variant.
Coding change: c.2807G>A on transcript NM_000553.6 (MANE Select); coding-DNA position 2807, G replaced by A.
Protein change: p.Cys936Tyr; replaces cysteine 936 with tyrosine.
Molecular consequence: missense variant.
Genome position (GRCh38, 1-based): chr8:31,124,982, G>A. VCF-style: chr8-31124982-G-A. GRCh37 (hg19) VCF-style: chr8-30982498-G-A.
Other names: short protein forms C936Y.
Identifiers: ClinVar variation 848901 (VCV000848901.5), dbSNP rs1801862577, ClinGen allele CA370917825.